The following is an entry in ClinVar:

ClinVar aggregate classification (germline): Pathogenic. Review status: criteria provided, multiple submitters, no conflicts (2 of 4 stars). 4 submissions from 4 submitters: Pathogenic (2). 2 of the submissions do not count toward it. Last evaluated 2025-09-30.

Conditions:
Jeune thoracic dystrophy. Also called: Jeune syndrome; Infantile thoracic dystrophy; Thoracic pelvic phalangeal dystrophy; Jeune's syndrome; Chondroectodermal dysplasia-like syndrome; Short-rib thoracic dysplasia. Identifiers: Orphanet 474, MedGen C0265275, MONDO:0018770.

Allele frequency attached by ClinVar (database versions not stated): gnomAD exomes below 0.00001 and 0.00001; gnomAD 0.00001 and below 0.00001; ExAC 0.00002.
gnomAD v4.1: 7 of 1,532,746 alleles (0.00046%); highest among the groups gnomAD compares: South Asian, 0.0092%; no homozygotes.

Submissions (4):

GeneDx
Classification: Pathogenic. Last evaluated: 2025-09-30. Review status: criteria provided, single submitter. Criteria: GeneDx Variant Classification Process June 2021. Collection method: clinical testing. Allele origin: germline. Affected: yes.
Comment: Canonical splice site variant predicted to result in a null allele in a gene for which loss of function is a known mechanism of disease; Not observed at significant frequency in large population cohorts (gnomAD); This variant is associated with the following publications: (PMID: 33694158, 29068549, 35506549)

Labcorp Genetics (formerly Invitae), Labcorp
Classification: Pathogenic for Jeune thoracic dystrophy. Last evaluated: 2025-08-21. Review status: criteria provided, single submitter. Criteria: Invitae Variant Classification Sherloc (09022015). Collection method: clinical testing. Allele origin: germline.
Comment: This sequence change affects a donor splice site in intron 35 of the DYNC2H1 gene. It is expected to disrupt RNA splicing. Variants that disrupt the donor or acceptor splice site typically lead to a loss of protein function (PMID: 16199547), and loss-of-function variants in DYNC2H1 are known to be pathogenic (PMID: 23339108, 32753734, 33755199). The frequency data for this variant in the population databases is considered unreliable, as metrics indicate poor data quality at this position in the gnomAD database. Disruption of this splice site has been observed in individual(s) with short-rib thoracic dysplasia (SRTD) with or without polydactyly (PMID: 29068549, 33694158, 35506549). In at least one individual the data is consistent with being in trans (on the opposite chromosome) from a pathogenic variant. ClinVar contains an entry for this variant (Variation ID: 446578). Algorithms developed to predict the effect of sequence changes on RNA splicing suggest that this variant may disrupt the consensus splice site. For these reasons, this variant has been classified as Pathogenic.

Dan Cohn Lab, University Of California Los Angeles
Classification: Pathogenic for Asphyxiating thoracic dystrophy. Last evaluated: 2017-06-01. Review status: no assertion criteria provided. Collection method: research. Allele origin: paternal. Affected: yes. Not counted in ClinVar's aggregate classification.

University of Washington Center for Mendelian Genomics, University of Washington
Classification: Likely pathogenic for asphyxiating thoracic dystrophy. Review status: no assertion criteria provided. Collection method: research. Allele origin: inherited. Affected: yes. Not counted in ClinVar's aggregate classification.

Literature cited by the submitters: PubMed 16199547 (cited by Labcorp Genetics (formerly Invitae), Labcorp); PubMed 23339108 (cited by Labcorp Genetics (formerly Invitae), Labcorp); PubMed 32753734 (cited by Labcorp Genetics (formerly Invitae), Labcorp); PubMed 33755199 (cited by Labcorp Genetics (formerly Invitae), Labcorp); PubMed 29068549 (cited by 3 submitters); PubMed 33694158 (cited by Labcorp Genetics (formerly Invitae), Labcorp); PubMed 35506549 (cited by Labcorp Genetics (formerly Invitae), Labcorp).

NM_001377.3(DYNC2H1):c.5558+2T>C

Gene: DYNC2H1 (dynein cytoplasmic 2 heavy chain 1; plus strand). Cytogenetic location: 11q22.3.
Variant type: single nucleotide variant.
Coding change: c.5558+2T>C on transcript NM_001377.3 (MANE Select); the canonical splice donor site of the intron after coding-DNA position 5558, T replaced by C.
Molecular consequence: splice donor variant.
Genome position (GRCh38, 1-based): chr11:103,173,307, T>C. VCF-style: chr11-103173307-T-C. GRCh37 (hg19) VCF-style: chr11-103044036-T-C.
Other names: c.5558+2T>C (NM_001080463.2).
Identifiers: ClinVar variation 446578 (VCV000446578.7), dbSNP rs762666243, ClinGen allele CA6253789.